The following is an entry in ClinVar:

ClinVar aggregate classification (germline): Benign. Review status: criteria provided, multiple submitters, no conflicts (2 of 4 stars). 3 submissions from 3 submitters: Benign (2). 1 of the submissions does not count toward it. Last evaluated 2019-12-31.

Conditions:
ZNF141-related disorder. Also called: ZNF141-related condition.

Allele frequency attached by ClinVar (database versions not stated): 1000 Genomes Project 30x 0.00047; 1000 Genomes Project 0.00060; ExAC 0.00234; gnomAD 0.00246 and 0.00250; TOPMed 0.00249; gnomAD exomes 0.00265; ESP Exome Variant Server 0.00309.
gnomAD v4.1: 6,242 of 1,599,760 alleles (0.39%); highest among the groups gnomAD compares: Non-Finnish European, 0.48%; 18 homozygotes.

Submissions (3):

Labcorp Genetics (formerly Invitae), Labcorp
Classification: Benign. Last evaluated: 2019-12-31. Review status: criteria provided, single submitter. Criteria: Invitae Variant Classification Sherloc (09022015). Collection method: clinical testing. Allele origin: germline.

Breakthrough Genomics
Classification: Benign. Review status: criteria provided, single submitter. Criteria: ACMG Guidelines, 2015. Collection method: not provided. Allele origin: germline. Inheritance: Autosomal recessive inheritance. Affected: yes.

PreventionGenetics, part of Exact Sciences
Classification: Likely benign for ZNF141-related condition. Last evaluated: 2019-10-31. Review status: no assertion criteria provided. Collection method: clinical testing. Allele origin: germline. Not counted in ClinVar's aggregate classification.
Comment: This variant is classified as likely benign based on ACMG/AMP sequence variant interpretation guidelines (Richards et al. 2015 PMID: 25741868, with internal and published modifications).

NM_003441.4(ZNF141):c.1419T>C (p.His473=)

Gene: ZNF141 (zinc finger protein 141; plus strand). Cytogenetic location: 4p16.3.
Variant type: single nucleotide variant.
Coding change: c.1419T>C on transcript NM_003441.4 (MANE Select); coding-DNA position 1419, T replaced by C.
Protein change: p.His473=; no amino-acid change (histidine 473 retained).
Molecular consequence: synonymous variant. On other transcripts: intron variant (1).
Genome position (GRCh38, 1-based): chr4:373,856, T>C. VCF-style: chr4-373856-T-C. GRCh37 (hg19) VCF-style: chr4-367645-T-C.
Other names: c.1191T>C, p.His397= (NM_001348277.2); c.570+849T>C (NM_001348278.2).
Identifiers: ClinVar variation 715929 (VCV000715929.7), dbSNP rs137931151, ClinGen allele CA2791888.